The following is an entry in ClinVar:

NM_001134363.3(RBM20):c.2291C>A (p.Pro764His)

Gene: RBM20 (RNA binding motif protein 20; plus strand). Cytogenetic location: 10q25.2.
Variant type: single nucleotide variant.
Coding change: c.2291C>A on transcript NM_001134363.3 (MANE Select); coding-DNA position 2291, C replaced by A.
Protein change: p.Pro764His; replaces proline 764 with histidine.
Molecular consequence: missense variant.
Genome position (GRCh38, 1-based): chr10:110,812,688, C>A. VCF-style: chr10-110812688-C-A. GRCh37 (hg19) VCF-style: chr10-112572446-C-A.
Other names: short protein forms P764H.
Identifiers: ClinVar variation 999271 (VCV000999271.9), dbSNP rs1036485472, ClinGen allele CA213224164.

ClinVar aggregate classification (germline): Uncertain significance. Review status: criteria provided, multiple submitters, no conflicts (2 of 4 stars). 2 submissions from 2 submitters: Uncertain significance (2). Last evaluated 2024-02-27.

Conditions:
Dilated cardiomyopathy 1DD (CMD1DD). Identifiers: Orphanet 154, MedGen C2750995, MONDO:0013168, OMIM 613172.

Allele frequency attached by ClinVar (database versions not stated): TOPMed 0.00001.
gnomAD v4.1: 3 of 1,551,586 alleles (0.00019%); highest among the groups gnomAD compares: Non-Finnish European, 0.00026%; no homozygotes.

Submissions (2):

Labcorp Genetics (formerly Invitae), Labcorp
Classification: Uncertain significance for Dilated cardiomyopathy 1DD. Last evaluated: 2024-02-27. Review status: criteria provided, single submitter. Criteria: Invitae Variant Classification Sherloc (09022015). Collection method: clinical testing. Allele origin: germline.
Comment: This sequence change replaces proline, which is neutral and non-polar, with histidine, which is basic and polar, at codon 764 of the RBM20 protein (p.Pro764His). This variant is present in population databases (no rsID available, gnomAD 0.007%). This variant has not been reported in the literature in individuals affected with RBM20-related conditions. ClinVar contains an entry for this variant (Variation ID: 999271). Advanced modeling of protein sequence and biophysical properties (such as structural, functional, and spatial information, amino acid conservation, physicochemical variation, residue mobility, and thermodynamic stability) performed at Invitae indicates that this missense variant is not expected to disrupt RBM20 protein function with a negative predictive value of 95%. In summary, the available evidence is currently insufficient to determine the role of this variant in disease. Therefore, it has been classified as a Variant of Uncertain Significance.

GeneDx
Classification: Uncertain significance. Last evaluated: 2019-09-29. Review status: criteria provided, single submitter. Criteria: GeneDx Variant Classification Process June 2021. Collection method: clinical testing. Allele origin: germline. Affected: yes.
Comment: Not observed at a significant frequency in large population cohorts (Lek et al., 2016); In silico analysis, which includes protein predictors and evolutionary conservation, supports that this variant does not alter protein structure/function; Has not been previously published as pathogenic or benign to our knowledge